The following is an entry in ClinVar:

NM_001199753.2(CPT1C):c.652C>T (p.Gln218Ter)

Gene: CPT1C (carnitine palmitoyltransferase 1C; plus strand). Cytogenetic location: 19q13.33.
Variant type: single nucleotide variant.
Coding change: c.652C>T on transcript NM_001199753.2 (MANE Select); coding-DNA position 652, C replaced by T.
Protein change: p.Gln218Ter; replaces glutamine 218 with a stop codon.
Molecular consequence: nonsense. On other transcripts: non-coding transcript variant (1).
Genome position (GRCh38, 1-based): chr19:49,701,593, C>T. VCF-style: chr19-49701593-C-T. GRCh37 (hg19) VCF-style: chr19-50204850-C-T.
Other names: c.652C>T, p.Gln218Ter (NM_001136052.3, NM_001199752.3, NM_001378482.1 and 7 more transcripts); short protein forms Q218*.
Identifiers: ClinVar variation 2190149 (VCV002190149.4), dbSNP rs2514088767, ClinGen allele CA406900753.
Genomic context (GRCh38, chr19:49,701,593, plus strand): 5'-GACTTCGACTGGACCGCGGTCCTGGCGCAGGAATTCCTGAGGCTGCAGGCGTCGCTGCTG[C>T]AGTGGTACCTGCGGCTCAAGTCCTGGTGGGCGTCCAATTATGTGAGTCCCGCCACCGCCA-3'

ClinVar aggregate classification (germline): Pathogenic (1 of 4 stars; one submission).

Conditions:
Hereditary spastic paraplegia 73. Also called: Spastic paraplegia 73, autosomal dominant. Identifiers: Orphanet 444099, MedGen C5568981, MONDO:0014568, OMIM 616282.

Submission:

Labcorp Genetics (formerly Invitae), Labcorp
Classification: Pathogenic for Hereditary spastic paraplegia 73. Last evaluated: 2022-02-09. Review status: criteria provided, single submitter. Criteria: Invitae Variant Classification Sherloc (09022015). Collection method: clinical testing. Allele origin: germline.
Comment: This sequence change creates a premature translational stop signal (p.Gln218*) in the CPT1C gene. It is expected to result in an absent or disrupted protein product. Loss-of-function variants in CPT1C are known to be pathogenic (PMID: 30564185, 30911584). This variant is not present in population databases (gnomAD no frequency). This variant has not been reported in the literature in individuals affected with CPT1C-related conditions. For these reasons, this variant has been classified as Pathogenic.

Literature cited by the submitters: PubMed 30564185; PubMed 30911584.